The following is an entry in ClinVar:

NM_182925.5(FLT4):c.475C>G (p.Leu159Val)

Gene: FLT4 (fms related receptor tyrosine kinase 4; minus strand). Cytogenetic location: 5q35.3.
Variant type: single nucleotide variant.
Coding change: c.475C>G on transcript NM_182925.5 (MANE Select); coding-DNA position 475, C replaced by G.
Protein change: p.Leu159Val; replaces leucine 159 with valine.
Molecular consequence: missense variant.
Genome position (GRCh38, 1-based): chr5:180,630,263, G>C on the plus strand (C>G on the coding strand, the complement: FLT4 is on the minus strand). VCF-style: chr5-180630263-G-C. GRCh37 (hg19) VCF-style: chr5-180057263-G-C.
Other names: c.475C>G, p.Leu159Val (NM_001354989.2, NM_002020.5); short protein forms L159V.
Identifiers: ClinVar variation 996261 (VCV000996261.26), dbSNP rs147634448, ClinGen allele CA3607103.

ClinVar aggregate classification (germline): Benign/Likely benign. Review status: criteria provided, multiple submitters, no conflicts (2 of 4 stars). 3 submissions from 3 submitters: Benign (1); Likely benign (1). 1 of the submissions does not count toward it. Last evaluated 2022-08-01.

Conditions:
FLT4-related disorder. Also called: FLT4-related condition.

Allele frequency attached by ClinVar (database versions not stated): ESP Exome Variant Server 0.00008; gnomAD 0.00008 and 0.00012; TOPMed 0.00009; gnomAD exomes 0.00041; ExAC 0.00043; 1000 Genomes Project 30x 0.00047; 1000 Genomes Project 0.00060.

Submissions (3):

CeGaT Center for Human Genetics Tuebingen
Classification: Benign. Last evaluated: 2022-08-01. Review status: criteria provided, single submitter. Criteria: CeGaT Center For Human Genetics Tuebingen Variant Classification Criteria Version 2. Collection method: clinical testing. Allele origin: germline. Affected: yes. Observed: 1 variant allele.
Comment: FLT4: BS1, BS2

Women's Health and Genetics/Laboratory Corporation of America, LabCorp
Classification: Likely benign. Last evaluated: 2021-01-08. Review status: criteria provided, single submitter. Criteria: LabCorp Variant Classification Summary - May 2015. Collection method: clinical testing. Allele origin: germline.
Comment: Variant summary: FLT4 c.475C>G (p.Leu159Val) results in a conservative amino acid change in the encoded protein sequence. Four of five in-silico tools predict a benign effect of the variant on protein function. The variant allele was found at a frequency of 0.00041 in 249774 control chromosomes, predominantly at a frequency of 0.0026 within the South Asian subpopulation in the gnomAD database, including 2 homozygotes. The observed variant frequency within South Asian control individuals is at least 10 times higher than the estimated maximal expected allele frequency for a pathogenic variant in FLT4 (0.00017), strongly suggesting that the variant is a benign polymorphism found primarily in populations of South Asian origin. To our knowledge, no occurrence of c.475C>G in individuals affected with FLT4-Related Disorders and no experimental evidence demonstrating its impact on protein function have been reported. No clinical diagnostic laboratories have submitted clinical-significance assessments for this variant to ClinVar after 2014. Based on the evidence outlined above, the variant was classified as likely benign.

PreventionGenetics, part of Exact Sciences
Classification: Likely benign for FLT4-related condition. Last evaluated: 2022-04-15. Review status: no assertion criteria provided. Collection method: clinical testing. Allele origin: germline. Not counted in ClinVar's aggregate classification.
Comment: This variant is classified as likely benign based on ACMG/AMP sequence variant interpretation guidelines (Richards et al. 2015 PMID: 25741868, with internal and published modifications).